The following is an entry in ClinVar:

NM_182493.3(MYLK3):c.109G>T (p.Asp37Tyr)

Gene: MYLK3 (myosin light chain kinase 3; minus strand). Cytogenetic location: 16q11.2.
Variant type: single nucleotide variant.
Coding change: c.109G>T on transcript NM_182493.3 (MANE Select); coding-DNA position 109, G replaced by T.
Protein change: p.Asp37Tyr; replaces aspartic acid 37 with tyrosine.
Molecular consequence: missense variant. On other transcripts: intron variant (1).
Genome position (GRCh38, 1-based): chr16:46,748,085, C>A on the plus strand (G>T on the coding strand, the complement: MYLK3 is on the minus strand). VCF-style: chr16-46748085-C-A. GRCh37 (hg19) VCF-style: chr16-46781997-C-A.
Other names: c.-113-7938G>T (NM_001308301.1); short protein forms D37Y.
Identifiers: ClinVar variation 2837338 (VCV002837338.3), dbSNP rs2548911582, ClinGen allele CA395799028.

ClinVar aggregate classification (germline): Uncertain significance (1 of 4 stars; one submission).

Allele frequency attached by ClinVar (database versions not stated): gnomAD exomes below 0.00001.

Submission:

Labcorp Genetics (formerly Invitae), Labcorp
Classification: Uncertain significance. Last evaluated: 2025-07-27. Review status: criteria provided, single submitter. Criteria: Invitae Variant Classification Sherloc (09022015). Collection method: clinical testing. Allele origin: germline.
Comment: This sequence change replaces aspartic acid, which is acidic and polar, with tyrosine, which is neutral and polar, at codon 37 of the MYLK3 protein (p.Asp37Tyr). This variant is not present in population databases (gnomAD no frequency). This variant has not been reported in the literature in individuals affected with MYLK3-related conditions. ClinVar contains an entry for this variant (Variation ID: 2837338). An algorithm developed to predict the effect of missense changes on protein structure and function (PolyPhen-2) suggests that this variant is likely to be disruptive. In summary, the available evidence is currently insufficient to determine the role of this variant in disease. Therefore, it has been classified as a Variant of Uncertain Significance.